The following is an entry in ClinVar:

NM_001042492.3(NF1):c.7471A>T (p.Thr2491Ser)

Gene: NF1 (neurofibromin 1; plus strand). Cytogenetic location: 17q11.2.
Variant type: single nucleotide variant.
Coding change: c.7471A>T on transcript NM_001042492.3 (MANE Select); coding-DNA position 7471, A replaced by T.
Protein change: p.Thr2491Ser; replaces threonine 2491 with serine.
Molecular consequence: missense variant.
Genome position (GRCh38, 1-based): chr17:31,352,270, A>T. VCF-style: chr17-31352270-A-T. GRCh37 (hg19) VCF-style: chr17-29679288-A-T.
Other names: c.7408A>T, p.Thr2470Ser (NM_000267.4); short protein forms T2470S, T2491S.
Identifiers: ClinVar variation 4028606 (VCV004028606.1).

ClinVar aggregate classification (germline): Uncertain significance (1 of 4 stars; one submission).

Conditions:
Cardiovascular phenotype. Identifiers: MedGen CN230736.
Hereditary cancer-predisposing syndrome. Also called: Tumor predisposition; Hereditary neoplastic syndrome; Neoplastic Syndromes, Hereditary; Hereditary Cancer Syndrome. Identifiers: Orphanet 140162, MedGen C0027672, MeSH D009386, MONDO:0015356.

gnomAD v4.1: 1 of 1,613,922 alleles (0.000062%); highest among the groups gnomAD compares: Non-Finnish European, 0.000085%; no homozygotes.

Submission:

Ambry Genetics
Classification: Uncertain significance for Cardiovascular phenotype; Hereditary cancer-predisposing syndrome. Last evaluated: 2025-05-10. Review status: criteria provided, single submitter. Criteria: Ambry Variant Classification Scheme 2023. Collection method: clinical testing. Allele origin: germline.
Comment: The p.T2470S variant (also known as c.7408A>T), located in coding exon 50 of the NF1 gene, results from an A to T substitution at nucleotide position 7408. The threonine at codon 2470 is replaced by serine, an amino acid with similar properties. This amino acid position is conserved. In addition, this alteration is predicted to be tolerated by in silico analysis. Based on the available evidence, the clinical significance of this variant remains unclear.